The following is an entry in ClinVar:

ClinVar aggregate classification (germline): Uncertain significance (1 of 4 stars; one submission).

Submission:

Biesecker Lab/Clinical Genomics Section, National Institutes of Health
Classification: Uncertain significance. Last evaluated: 2013-06-24. Review status: criteria provided, single submitter. Criteria: Ng et al. (Circ Cardiovasc Genet. 2013). Collection method: research. Allele origin: unknown. Observed: 1 variant allele. Study: ClinSeq.
Comment: The study set was not selected for affection status in relation to any cancer. Pathogenicity categories were based on literature curation. See Pubmed ID:23861362 for details.

Medical sequencing

NM_002471.4(MYH6):c.1716dup (p.Lys573fs)

Gene: MYH6 (myosin heavy chain 6; minus strand). Cytogenetic location: 14q11.2.
Variant type: Duplication.
Coding change: c.1716dup on transcript NM_002471.4 (MANE Select); coding-DNA position 1716, one base duplicated (G; older notation c.1716dupG).
Protein change: p.Lys573fs; shifts the reading frame from lysine 573.
Molecular consequence: frameshift variant.
Genome position (GRCh38, 1-based): chr14:23,398,903, C duplicated on the plus strand (G on the coding strand, the reverse complement: MYH6 is on the minus strand); the first of 4 consecutive C bases (chr14:23,398,903-23,398,906); duplicating any one gives the same sequence. VCF-style (leftmost placement, unchanged base first): chr14-23398902-T-TC. GRCh37 (hg19) VCF-style: chr14-23868111-T-TC.
Other names: c.1713dup (NM_002471.3); short protein forms K573fs.
Identifiers: ClinVar variation 191719 (VCV000191719.1), dbSNP rs786205354, ClinGen allele CA237366.